The following is an entry in ClinVar:

NM_004370.6(COL12A1):c.7999T>C (p.Tyr2667His)

Gene: COL12A1 (collagen type XII alpha 1 chain; minus strand). Cytogenetic location: 6q13.
Variant type: single nucleotide variant.
Coding change: c.7999T>C on transcript NM_004370.6 (MANE Select); coding-DNA position 7999, T replaced by C.
Protein change: p.Tyr2667His; replaces tyrosine 2667 with histidine.
Molecular consequence: missense variant.
Genome position (GRCh38, 1-based): chr6:75,109,119, A>G on the plus strand (T>C on the coding strand, the complement: COL12A1 is on the minus strand). VCF-style: chr6-75109119-A-G. GRCh37 (hg19) VCF-style: chr6-75818835-A-G.
Other names: c.4507T>C, p.Tyr1503His (NM_080645.3); short protein forms Y1503H, Y2667H.
Identifiers: ClinVar variation 1518750 (VCV001518750.6), dbSNP rs1324430356, ClinGen allele CA364741753.

ClinVar aggregate classification (germline): Uncertain significance (1 of 4 stars; one submission).

Conditions:
Ullrich congenital muscular dystrophy 2 (UCMD2). Identifiers: Orphanet 75840, MedGen C4225314, MONDO:0014654, OMIM 616470.
Bethlem myopathy 2 (BTHLM2). Identifiers: Orphanet 536516, Orphanet 610, MedGen C4225313, MONDO:0034022, OMIM 616471.

Allele frequency attached by ClinVar (database versions not stated): gnomAD exomes below 0.00001.
gnomAD v4.1: 3 of 1,605,578 alleles (0.00019%); highest among the groups gnomAD compares: Non-Finnish European, 0.00017%; no homozygotes.

Submission:

Labcorp Genetics (formerly Invitae), Labcorp
Classification: Uncertain significance for Bethlem myopathy 2; Ullrich congenital muscular dystrophy 2. Last evaluated: 2024-06-08. Review status: criteria provided, single submitter. Criteria: Invitae Variant Classification Sherloc (09022015). Collection method: clinical testing. Allele origin: germline.
Comment: This sequence change replaces tyrosine, which is neutral and polar, with histidine, which is basic and polar, at codon 2667 of the COL12A1 protein (p.Tyr2667His). This variant is not present in population databases (gnomAD no frequency). This variant has not been reported in the literature in individuals affected with COL12A1-related conditions. ClinVar contains an entry for this variant (Variation ID: 1518750). Advanced modeling of protein sequence and biophysical properties (such as structural, functional, and spatial information, amino acid conservation, physicochemical variation, residue mobility, and thermodynamic stability) performed at Invitae indicates that this missense variant is not expected to disrupt COL12A1 protein function with a negative predictive value of 80%. In summary, the available evidence is currently insufficient to determine the role of this variant in disease. Therefore, it has been classified as a Variant of Uncertain Significance.